The following is an entry in ClinVar:

ClinVar aggregate classification (germline): Likely benign (1 of 4 stars; one submission).

Conditions:
Anemia, nonspherocytic hemolytic, due to G6PD deficiency (CNSHA1). Also called: Hemolytic anemia due to G6PD deficiency; Class I glucose-6-phosphate dehydrogenase deficiency; Favism, susceptibility to; ANEMIA, CONGENITAL, NONSPHEROCYTIC HEMOLYTIC, 1. Identifiers: Orphanet 466026, MedGen C2720289, MONDO:0010480, OMIM 300908.

Submission:

Dunham Lab, University of Washington
Classification: Likely benign for Anemia, nonspherocytic hemolytic, due to G6PD deficiency. Last evaluated: 2022-08-12. Review status: criteria provided, single submitter. Criteria: Bayesian ACMG Guidelines, 2018. Collection method: curation. Allele origin: unknown. Affected: no.
Comment: Activity in red blood cells is within normal range (BS3). Post_P 0.0059 (odds of pathogenicity 0.053, Prior_P 0.1).

Literature cited by the submitters: PubMed 31862010.

NM_001360016.2(G6PD):c.[1106T>C;499A>T]

Variant type: Haplotype.
Identifiers: ClinVar variation 1722660 (VCV001722660.2).